The following is an entry in ClinVar:

ClinVar aggregate classification (germline): Uncertain significance (1 of 4 stars; one submission).

Submission:

GeneDx
Classification: Uncertain significance. Last evaluated: 2025-05-14. Review status: criteria provided, single submitter. Criteria: GeneDx Variant Classification Process June 2021. Collection method: clinical testing. Allele origin: germline. Affected: yes.
Comment: Not observed at significant frequency in large population cohorts (gnomAD); In silico analysis suggests that this missense variant does not alter protein structure/function; Has not been previously published as pathogenic or benign to our knowledge

NM_004999.4(MYO6):c.2627T>C (p.Ile876Thr)

Gene: MYO6 (myosin VI; plus strand). Cytogenetic location: 6q14.1.
Variant type: single nucleotide variant.
Coding change: c.2627T>C on transcript NM_004999.4 (MANE Select); coding-DNA position 2627, T replaced by C.
Protein change: p.Ile876Thr; replaces isoleucine 876 with threonine.
Molecular consequence: missense variant. On other transcripts: non-coding transcript variant (1).
Genome position (GRCh38, 1-based): chr6:75,886,963, T>C. VCF-style: chr6-75886963-T-C. GRCh37 (hg19) VCF-style: chr6-76596680-T-C.
Other names: c.2627T>C, p.Ile876Thr (NM_001300899.2, NM_001368136.1, NM_001368137.1 and 2 more transcripts); c.2612T>C, p.Ile871Thr (NM_001368138.1); short protein forms I871T, I876T.
Identifiers: ClinVar variation 4529898 (VCV004529898.1).